The following is an entry in ClinVar:

NM_000051.4(ATM):c.4437-14del

Gene: ATM (ATM serine/threonine kinase; plus strand). Cytogenetic location: 11q22.3.
Variant type: Deletion.
Coding change: c.4437-14del on transcript NM_000051.4 (MANE Select); 14 bases into the intron before coding-DNA position 4437, one base deleted (T; older notation c.4437-14delT).
Molecular consequence: intron variant.
Genome position (GRCh38, 1-based): chr11:108,292,605, T deleted; the last of 9 consecutive T bases (chr11:108,292,597-108,292,605); deleting any one gives the same sequence. VCF-style (leftmost placement, unchanged base first): chr11-108292596-GT-G. GRCh37 (hg19) VCF-style: chr11-108163323-GT-G.
Other names: c.4437-14del (NM_001351834.2); c.4437-14delT (NM_000051.3).
Identifiers: ClinVar variation 419363 (VCV000419363.2), dbSNP rs730881290, ClinGen allele CA6265466.
Genomic context (GRCh38, chr11:108,292,596, plus strand): 5'-AAAAGGACTTCTGAATGAATTTATTTCAGAGTAATTTTCCAGAACTTACTGGTTGTTGTT[GT>G]TTTTTTTTCTCCCTATATTAGGCCTTCTTGTATCATGGATGTGTCATTACGTAGCTTCTC-3'

ClinVar aggregate classification (germline): Benign/Likely benign. Review status: criteria provided, multiple submitters, no conflicts (2 of 4 stars). 2 submissions from 2 submitters: Benign (1); Likely benign (1). Last evaluated 2024-05-17.

Conditions:
Familial cancer of breast. Also called: Hereditary breast cancer; BREAST CANCER, FAMILIAL; hereditary breast carcinoma. Identifiers: Orphanet 227535, MedGen C0346153, MONDO:0016419, OMIM 114480. Disease mechanism: loss of function.

Submissions (2):

Myriad Genetics, Inc.
Classification: Benign for Familial cancer of breast. Last evaluated: 2024-05-17. Review status: criteria provided, single submitter. Criteria: Myriad Autosomal Dominant, Autosomal Recessive and X-Linked Classification Criteria (2023). Collection method: clinical testing. Allele origin: unknown.
Comment: This variant is considered benign. This variant is intronic and is not expected to impact mRNA splicing.

GeneDx
Classification: Likely benign. Last evaluated: 2016-10-11. Review status: criteria provided, single submitter. Criteria: GeneDx Variant Classification (06012015). Collection method: clinical testing. Allele origin: germline. Affected: yes.
Comment: This variant is considered likely benign or benign based on one or more of the following criteria: it is a conservative change, it occurs at a poorly conserved position in the protein, it is predicted to be benign by multiple in silico algorithms, and/or has population frequency not consistent with disease.